The following is an entry in ClinVar:

ClinVar aggregate classification (germline): Uncertain significance (1 of 4 stars; one submission).

gnomAD v4.1: 1 of 1,614,220 alleles (0.000062%); highest among the groups gnomAD compares: Non-Finnish European, 0.000085%; no homozygotes.

Submission:

Labcorp Genetics (formerly Invitae), Labcorp
Classification: Uncertain significance. Last evaluated: 2025-02-26. Review status: criteria provided, single submitter. Criteria: Invitae Variant Classification Sherloc (09022015). Collection method: clinical testing. Allele origin: germline.
Comment: This sequence change replaces valine, which is neutral and non-polar, with methionine, which is neutral and non-polar, at codon 70 of the ACO2 protein (p.Val70Met). This variant is not present in population databases (gnomAD no frequency). This variant has not been reported in the literature in individuals affected with ACO2-related conditions. Invitae Evidence Modeling of protein sequence and biophysical properties (such as structural, functional, and spatial information, amino acid conservation, physicochemical variation, residue mobility, and thermodynamic stability) indicates that this missense variant is not expected to disrupt ACO2 protein function with a negative predictive value of 80%. In summary, the available evidence is currently insufficient to determine the role of this variant in disease. Therefore, it has been classified as a Variant of Uncertain Significance.

NM_001098.3(ACO2):c.208G>A (p.Val70Met)

Gene: ACO2 (aconitase 2; plus strand). Cytogenetic location: 22q13.2.
Variant type: single nucleotide variant.
Coding change: c.208G>A on transcript NM_001098.3 (MANE Select); coding-DNA position 208, G replaced by A.
Protein change: p.Val70Met; replaces valine 70 with methionine.
Molecular consequence: missense variant.
Genome position (GRCh38, 1-based): chr22:41,507,825, G>A. VCF-style: chr22-41507825-G-A. GRCh37 (hg19) VCF-style: chr22-41903829-G-A.
Other names: short protein forms V70M.
Identifiers: ClinVar variation 4692987 (VCV004692987.1).